The following is an entry in ClinVar:

ClinVar aggregate classification (germline): Uncertain significance (1 of 4 stars; one submission).

Conditions:
Renal cell carcinoma. Identifiers: Orphanet 217071, MedGen C0007134, MeSH D002292, MONDO:0005086, HP:0005584.

Submission:

Labcorp Genetics (formerly Invitae), Labcorp
Classification: Uncertain significance for Renal cell carcinoma. Last evaluated: 2025-07-30. Review status: criteria provided, single submitter. Criteria: Invitae Variant Classification Sherloc (09022015). Collection method: clinical testing. Allele origin: germline.
Comment: This sequence change replaces valine, which is neutral and non-polar, with alanine, which is neutral and non-polar, at codon 1397 of the MET protein (p.Val1397Ala). This variant is not present in population databases (gnomAD no frequency). This variant has not been reported in the literature in individuals affected with MET-related conditions. An algorithm developed to predict the effect of missense changes on protein structure and function (PolyPhen-2) suggests that this variant is likely to be tolerated. In summary, the available evidence is currently insufficient to determine the role of this variant in disease. Therefore, it has been classified as a Variant of Uncertain Significance.

NM_000245.4(MET):c.4136T>C (p.Val1379Ala)

Gene: MET (MET proto-oncogene, receptor tyrosine kinase; plus strand). Cytogenetic location: 7q31.2.
Variant type: single nucleotide variant.
Coding change: c.4136T>C on transcript NM_000245.4 (MANE Select); coding-DNA position 4136, T replaced by C.
Protein change: p.Val1379Ala; replaces valine 1379 with alanine.
Molecular consequence: missense variant.
Genome position (GRCh38, 1-based): chr7:116,796,087, T>C. VCF-style: chr7-116796087-T-C. GRCh37 (hg19) VCF-style: chr7-116436141-T-C.
Other names: c.4190T>C, p.Val1397Ala (NM_001127500.3); c.2846T>C, p.Val949Ala (NM_001324402.2); short protein forms V1379A, V1397A, V949A.
Identifiers: ClinVar variation 4763771 (VCV004763771.1).